The following is an entry in ClinVar:

ClinVar aggregate classification (germline): Conflicting classifications of pathogenicity. Review status: criteria provided, conflicting classifications (1 of 4 stars). 2 submissions from 2 submitters: Uncertain significance (1); Likely benign (1). Last evaluated 2025-05-20.

Allele frequency attached by ClinVar (database versions not stated): TOPMed 0.00005; 1000 Genomes Project 30x 0.00016; gnomAD 0.00007; ExAC 0.00014.
gnomAD v4.1: 70 of 1,536,278 alleles (0.0046%); highest among the groups gnomAD compares: African/African-American, 0.019%; no homozygotes.

Submissions (2):

Ambry Genetics
Classification: Uncertain significance. Last evaluated: 2025-05-20. Review status: criteria provided, single submitter. Criteria: Ambry Variant Classification Scheme 2023. Collection method: clinical testing. Allele origin: germline.

CeGaT Center for Human Genetics Tuebingen
Classification: Likely benign. Last evaluated: 2024-02-01. Review status: criteria provided, single submitter. Criteria: CeGaT Center For Human Genetics Tuebingen Variant Classification Criteria Version 2. Collection method: clinical testing. Allele origin: germline. Affected: yes. Observed: 1 variant allele.
Comment: ZFHX2: BP4, BS2

NM_033400.3(ZFHX2):c.5011G>A (p.Gly1671Ser)

Genes: THTPA (thiamine triphosphatase; plus strand), ZFHX2 (zinc finger homeobox 2; minus strand). Cytogenetic location: 14q11.2.
Variant type: single nucleotide variant.
Coding change: c.5011G>A on transcript NM_033400.3 (MANE Select); coding-DNA position 5011, G replaced by A.
Protein change: p.Gly1671Ser; replaces glycine 1671 with serine.
Molecular consequence: missense variant.
Genome position (GRCh38, 1-based): chr14:23,524,931, C>T on the plus strand (G>A on the coding strand, the complement: ZFHX2 is on the minus strand). VCF-style: chr14-23524931-C-T. GRCh37 (hg19) VCF-style: chr14-23994140-C-T.
Other names: c.5011G>A (NM_033400.2); short protein forms G1671S.
Identifiers: ClinVar variation 3025645 (VCV003025645.22), dbSNP rs368892129, ClinGen allele CA7116911.